The following is an entry in ClinVar:

NM_145691.4(ATPAF2):c.842_843del (p.Thr281fs)

Gene: ATPAF2 (ATP synthase mitochondrial F1 complex assembly factor 2; minus strand). Cytogenetic location: 17p11.2.
Variant type: Microsatellite.
Coding change: c.842_843del on transcript NM_145691.4 (MANE Select); coding-DNA positions 842 to 843, 2 bases deleted (CA; older notation c.842_843delCA).
Protein change: p.Thr281fs; shifts the reading frame from threonine 281.
Molecular consequence: frameshift variant.
Genome position (GRCh38, 1-based): chr17:18,018,576-18,018,577, TG deleted on the plus strand (CA on the coding strand, the reverse complement: ATPAF2 is on the minus strand); deleting any 2 consecutive bases within chr17:18,018,576-18,018,579 gives the same sequence; the c. name uses the placement nearest the transcript's 3' end. VCF-style (leftmost placement, unchanged base first): chr17-18018575-CTG-C. GRCh37 (hg19) VCF-style: chr17-17921889-CTG-C.
Other names: short protein forms T281fs.
Identifiers: ClinVar variation 1899817 (VCV001899817.5), dbSNP rs780135033, ClinGen allele CA8421734.

ClinVar aggregate classification (germline): Uncertain significance (1 of 4 stars; one submission).

Submission:

Labcorp Genetics (formerly Invitae), Labcorp
Classification: Uncertain significance. Last evaluated: 2022-09-07. Review status: criteria provided, single submitter. Criteria: Invitae Variant Classification Sherloc (09022015). Collection method: clinical testing. Allele origin: germline.
Comment: In summary, the available evidence is currently insufficient to determine the role of this variant in disease. Therefore, it has been classified as a Variant of Uncertain Significance. Experimental studies and prediction algorithms are not available or were not evaluated, and the functional significance of this variant is currently unknown. This variant has not been reported in the literature in individuals affected with ATPAF2-related conditions. This variant is present in population databases (rs780135033, gnomAD 0.002%). This sequence change results in a frameshift in the ATPAF2 gene (p.Thr281Serfs*69). While this is not anticipated to result in nonsense mediated decay, it is expected to disrupt the last 9 amino acid(s) of the ATPAF2 protein and extend the protein by 59 additional amino acid residues.